The following is an entry in ClinVar:

NM_001080421.3(UNC13A):c.4892_4893delinsTT (p.Arg1631Leu)

Gene: UNC13A (unc-13 homolog A; minus strand). Cytogenetic location: 19p13.11.
Variant type: Indel.
Coding change: c.4892_4893delinsTT on transcript NM_001080421.3 (MANE Select); coding-DNA positions 4892 to 4893, GC replaced by TT.
Protein change: p.Arg1631Leu; replaces arginine 1631 with leucine.
Molecular consequence: missense variant.
Genome position (GRCh38, 1-based): chr19:17,606,273-17,606,274, GC replaced by AA on the plus strand (GC replaced by TT on the coding strand, the reverse complement: UNC13A is on the minus strand). VCF-style: chr19-17606273-GC-AA. GRCh37 (hg19) VCF-style: chr19-17717082-GC-AA.
Other names: c.4880_4881delinsTT, p.Arg1627Leu (NM_001387021.1); c.4877_4878delinsTT, p.Arg1626Leu (NM_001387022.1); c.4811_4812delinsTT, p.Arg1604Leu (NM_001387023.1); short protein forms R1604L, R1626L, R1627L, R1631L.
Identifiers: ClinVar variation 4874620 (VCV004874620.2).

ClinVar aggregate classification (germline): Uncertain significance (1 of 4 stars; one submission).

Submission:

CeGaT Center for Human Genetics Tuebingen
Classification: Uncertain significance. Last evaluated: 2026-04-01. Review status: criteria provided, single submitter. Criteria: CeGaT Center For Human Genetics Tuebingen Variant Classification Criteria Version 2. Collection method: clinical testing. Allele origin: germline. Affected: yes. Observed: 1 variant allele.
Comment: UNC13A: PM2